The following is an entry in ClinVar:

NM_018943.3(TUBA8):c.748G>A (p.Val250Met)

Gene: TUBA8 (tubulin alpha 8; plus strand). Cytogenetic location: 22q11.21.
Variant type: single nucleotide variant.
Coding change: c.748G>A on transcript NM_018943.3 (MANE Select); coding-DNA position 748, G replaced by A.
Protein change: p.Val250Met; replaces valine 250 with methionine.
Molecular consequence: missense variant.
Genome position (GRCh38, 1-based): chr22:18,126,726, G>A. VCF-style: chr22-18126726-G-A. GRCh37 (hg19) VCF-style: chr22-18609493-G-A.
Other names: c.550G>A, p.Val184Met (NM_001193414.2); short protein forms V250M, V184M.
Identifiers: ClinVar variation 137851 (VCV000137851.27), dbSNP rs145621219, ClinGen allele CA205554.

ClinVar aggregate classification (germline): Benign/Likely benign. Review status: criteria provided, multiple submitters, no conflicts (2 of 4 stars). 4 submissions from 4 submitters: Benign (2); Likely benign (1). 1 of the submissions does not count toward it. Last evaluated 2026-04-01.

Conditions:
TUBA8-related disorder. Also called: TUBA8-related condition.

Allele frequency attached by ClinVar (database versions not stated): 1000 Genomes Project 30x 0.00094; TOPMed 0.00109; 1000 Genomes Project 0.00120; ESP Exome Variant Server 0.00154; gnomAD exomes 0.00195 and 0.00345; gnomAD 0.00298 and 0.00314; ExAC 0.00314.

Submissions (4):

CeGaT Center for Human Genetics Tuebingen
Classification: Likely benign. Last evaluated: 2026-04-01. Review status: criteria provided, single submitter. Criteria: CeGaT Center For Human Genetics Tuebingen Variant Classification Criteria Version 2. Collection method: clinical testing. Allele origin: germline. Affected: yes. Observed: 3 variant alleles.
Comment: TUBA8: PP3, BS1

Labcorp Genetics (formerly Invitae), Labcorp
Classification: Benign. Last evaluated: 2026-01-26. Review status: criteria provided, single submitter. Criteria: Invitae Variant Classification Sherloc (09022015). Collection method: clinical testing. Allele origin: germline.

Genetic Services Laboratory, University of Chicago
Classification: Benign. Last evaluated: 2016-09-15. Review status: criteria provided, single submitter. Criteria: ACMG Guidelines, 2015. Collection method: clinical testing. Allele origin: germline. Affected: no.

PreventionGenetics, part of Exact Sciences
Classification: Likely benign for TUBA8-related condition. Last evaluated: 2019-04-10. Review status: no assertion criteria provided. Collection method: clinical testing. Allele origin: germline. Not counted in ClinVar's aggregate classification.
Comment: This variant is classified as likely benign based on ACMG/AMP sequence variant interpretation guidelines (Richards et al. 2015 PMID: 25741868, with internal and published modifications).